The following is an entry in ClinVar:

NM_005562.3(LAMC2):c.2152dup (p.Asp718fs)

Gene: LAMC2 (laminin subunit gamma 2; plus strand). Cytogenetic location: 1q25.3.
Variant type: Duplication.
Coding change: c.2152dup on transcript NM_005562.3 (MANE Select); coding-DNA position 2152, one base duplicated (G; older notation c.2152dupG).
Protein change: p.Asp718fs; shifts the reading frame from aspartic acid 718.
Molecular consequence: frameshift variant.
Genome position (GRCh38, 1-based): chr1:183,232,789, G duplicated; the last of 3 consecutive G bases (chr1:183,232,787-183,232,789); duplicating any one gives the same sequence. VCF-style (leftmost placement, unchanged base first): chr1-183232786-C-CG. GRCh37 (hg19) VCF-style: chr1-183201921-C-CG.
Other names: c.2152dup, p.Asp718fs (NM_018891.3); short protein forms D718fs.
Identifiers: ClinVar variation 5012044 (VCV005012044.1).

ClinVar aggregate classification (germline): Pathogenic (1 of 4 stars; one submission).

Conditions:
Junctional epidermolysis bullosa. Identifiers: Orphanet 305, MedGen C0079301, MONDO:0017612.

Submission:

Myriad Genetics, Inc.
Classification: Pathogenic for Junctional epidermolysis bullosa. Last evaluated: 2023-09-27. Review status: criteria provided, single submitter. Criteria: Myriad Autosomal Dominant, Autosomal Recessive and X-Linked Classification Criteria (2023). Collection method: clinical testing. Allele origin: unknown.
Comment: NM_005562.2(LAMC2):c.2152dupG(D718Gfs*17) is expected to be pathogenic in the context of junctional epidermolysis bullosa, LAMC2-related. This variant is predicted to lead to an abnormal or absent protein product due to the creation of a premature termination codon in LAMC2, a gene where loss-of-function variants are known to be pathogenic. Please note: this variant was assessed in the context of healthy population screening.